The following is an entry in ClinVar:

NM_000135.4(FANCA):c.1403A>G (p.Lys468Arg)

Gene: FANCA (FA complementation group A; minus strand). Cytogenetic location: 16q24.3.
Variant type: single nucleotide variant.
Coding change: c.1403A>G on transcript NM_000135.4 (MANE Select); coding-DNA position 1403, A replaced by G.
Protein change: p.Lys468Arg; replaces lysine 468 with arginine.
Molecular consequence: missense variant.
Genome position (GRCh38, 1-based): chr16:89,784,921, T>C on the plus strand (A>G on the coding strand, the complement: FANCA is on the minus strand). VCF-style: chr16-89784921-T-C. GRCh37 (hg19) VCF-style: chr16-89851329-T-C.
Other names: c.1403A>G (LRG_495t1); c.1403A>G, p.Lys468Arg (NM_001286167.3); short protein forms K468R.
Identifiers: ClinVar variation 646909 (VCV000646909.9), dbSNP rs1598140745, ClinGen allele CA397459998.

ClinVar aggregate classification (germline): Uncertain significance. Review status: criteria provided, multiple submitters, no conflicts (2 of 4 stars). 2 submissions from 2 submitters: Uncertain significance (2). Last evaluated 2026-03-04.

Conditions:
Inborn genetic diseases. Identifiers: MedGen C0950123, MeSH D030342.
Fanconi anemia (FA). Also called: Fanconi's anemia. Identifiers: Orphanet 84, MedGen C0015625, MeSH D005199, MONDO:0019391.

Allele frequency attached by ClinVar (database versions not stated): gnomAD exomes below 0.00001.
gnomAD v4.1: 1 of 1,614,144 alleles (0.000062%); highest among the groups gnomAD compares: Non-Finnish European, 0.000085%; no homozygotes.

Submissions (2):

Ambry Genetics
Classification: Uncertain significance for Inborn genetic diseases. Last evaluated: 2026-03-04. Review status: criteria provided, single submitter. Criteria: Ambry Variant Classification Scheme 2023. Collection method: clinical testing. Allele origin: germline.
Comment: The p.K468R variant (also known as c.1403A>G), located in coding exon 15 of the FANCA gene, results from an A to G substitution at nucleotide position 1403. The lysine at codon 468 is replaced by arginine, an amino acid with highly similar properties. This amino acid position is conserved. In addition, the in silico prediction for this alteration is inconclusive. Based on the available evidence, the clinical significance of this variant remains unclear.

Labcorp Genetics (formerly Invitae), Labcorp
Classification: Uncertain significance for Fanconi anemia. Last evaluated: 2018-07-18. Review status: criteria provided, single submitter. Criteria: Invitae Variant Classification Sherloc (09022015). Collection method: clinical testing. Allele origin: germline.
Comment: Algorithms developed to predict the effect of missense changes on protein structure and function output the following: SIFT: "Deleterious"; PolyPhen-2: "Benign"; Align-GVGD: "Class C0". The arginine amino acid residue is found in multiple mammalian species, suggesting that this missense change does not adversely affect protein function. These predictions have not been confirmed by published functional studies and their clinical significance is uncertain. This variant has not been reported in the literature in individuals with FANCA-related disease. In summary, the available evidence is currently insufficient to determine the role of this variant in disease. Therefore, it has been classified as a Variant of Uncertain Significance. This variant is not present in population databases (ExAC no frequency). This sequence change replaces lysine with arginine at codon 468 of the FANCA protein (p.Lys468Arg). The lysine residue is highly conserved and there is a small physicochemical difference between lysine and arginine.